The following is an entry in ClinVar:

NM_001371333.1(DIABLO):c.524-5G>A

Genes: B3GNT4 (UDP-GlcNAc:betaGal beta-1,3-N-acetylglucosaminyltransferase 4; plus strand), DIABLO (diablo IAP-binding mitochondrial protein; minus strand). Cytogenetic location: 12q24.31.
Variant type: single nucleotide variant.
Coding change: c.524-5G>A on transcript NM_001371333.1 (MANE Select); 5 bases into the intron before coding-DNA position 524, G replaced by A.
Molecular consequence: intron variant. On other transcripts: 3 prime UTR variant (2).
Genome position (GRCh38, 1-based): chr12:122,208,582, C>T on the plus strand (G>A on the coding strand, the complement: DIABLO is on the minus strand). VCF-style: chr12-122208582-C-T. GRCh37 (hg19) VCF-style: chr12-122693129-C-T.
Other names: c.365-5G>A (NM_001278304.2, NM_138930.3); c.*1194C>T (NM_001330492.2, NM_030765.4); c.305-5G>A (NM_001278303.1); c.392-5G>A (NM_001278342.1); c.233-5G>A (NM_001278302.1); c.524-5G>A (NM_019887.6).
Identifiers: ClinVar variation 5005051 (VCV005005051.2).
Genomic context (GRCh38, chr12:122,208,582, plus strand): 5'-CTGCAGTTTCACCAGCTGAATGTGATTCCTGGCGGTTATAGAGGCCTGATCTGCGCCTGC[C>T]AAAAGATGGGACAATCGGGTTGAGCAGCCGTGCAGGGCGCGGAAGGCTCATGTGGACGTT-3'

ClinVar aggregate classification (germline): Uncertain significance (1 of 4 stars; one submission).

Conditions:
Autosomal dominant nonsyndromic hearing loss 64. Identifiers: Orphanet 90635, MedGen C3279948, MONDO:0013593, OMIM 614152.

Submission:

Juno Genomics, Hangzhou Juno Genomics, Inc
Classification: Uncertain significance for Autosomal dominant nonsyndromic hearing loss 64. Review status: criteria provided, single submitter. Criteria: ACMG Guidelines, 2015. Collection method: clinical testing. Allele origin: germline.
Comment: Absent from controls (or at extremely low frequency if recessive) in Genome Aggregation Database.;Multiple lines of computational evidence support a deleterious effect on the gene or gene product.